The following is an entry in ClinVar:

NM_001127511.3(APC):c.166-28459G>A

Gene: APC (APC regulator of Wnt signaling pathway; plus strand). Cytogenetic location: 5q22.2.
Variant type: single nucleotide variant.
Coding change: c.166-28459G>A on transcript NM_001127511.3; 28459 bases into the intron before coding-DNA position 166, G replaced by A.
Molecular consequence: intron variant.
Genome position (GRCh38, 1-based): chr5:112,737,867, G>A. VCF-style: chr5-112737867-G-A. GRCh37 (hg19) VCF-style: chr5-112073564-G-A.
Other names: c.-77G>A (NM_000038.4); c.-185G>A (NM_001127510.1); c.-1053-17006G>A (NM_001407470.1, NM_001407472.1); c.-18-17006G>A (NM_001407447.1, NM_001354895.2, NM_001407456.1 and 7 more transcripts); c.166-28459G>A (NM_001407446.1, NM_001354897.2, NM_001354902.2); c.-42-28459G>A (NM_001407453.1).
Identifiers: ClinVar variation 4990324 (VCV004990324.1).
Genomic context (GRCh38, chr5:112,737,867, plus strand): 5'-TCGGGAGCCCGCCGATTGGCTGGGTGTGGGCGCACGTGACCGACATGTGGCTGTATTGGT[G>A]CAGCCCGCCAGGGTGTCACTGGAGACAGAATGGAGGTGCTGCCGGACTCGGAAATGGGGT-3'

ClinVar aggregate classification (germline): Likely benign (1 of 4 stars; one submission).

Conditions:
APC-related disorder. Also called: APC-related condition.

gnomAD v4.1: 7 of 985,714 alleles (0.00071%); highest among the groups gnomAD compares: Non-Finnish European, 0.00084%; no homozygotes.

Submission:

PreventionGenetics, part of Exact Sciences
Classification: Likely benign for APC-related condition. Last evaluated: 2025-07-08. Review status: criteria provided, single submitter. Criteria: ACMG Guidelines, 2015. Collection method: clinical testing. Allele origin: germline.
Comment: This variant is classified as likely benign based on ACMG/AMP sequence variant interpretation guidelines (Richards et al. 2015 PMID: 25741868, with internal and published modifications).